The following is an entry in ClinVar:

ClinVar aggregate classification (germline): Pathogenic (1 of 4 stars; one submission).

Submission:

Labcorp Genetics (formerly Invitae), Labcorp
Classification: Pathogenic. Last evaluated: 2019-11-27. Review status: criteria provided, single submitter. Criteria: Invitae Variant Classification Sherloc (09022015). Collection method: clinical testing. Allele origin: germline.
Comment: For these reasons, this variant has been classified as Pathogenic. Loss-of-function variants in RP2 are known to be pathogenic (PMID: 11992260, 20625056). This variant has not been reported in the literature in individuals with RP2-related conditions. This variant is not present in population databases (ExAC no frequency). This sequence change creates a premature translational stop signal (p.Cys108Leufs*16) in the RP2 gene. It is expected to result in an absent or disrupted protein product.

Literature cited by the submitters: PubMed 11992260; PubMed 20625056.

NM_006915.3(RP2):c.322dup (p.Cys108fs)

Gene: RP2 (RP2 activator of ARL3 GTPase; plus strand). Cytogenetic location: Xp11.3.
Variant type: Duplication.
Coding change: c.322dup on transcript NM_006915.3 (MANE Select); coding-DNA position 322, one base duplicated (T; older notation c.322dupT).
Protein change: p.Cys108fs; shifts the reading frame from cysteine 108.
Molecular consequence: frameshift variant.
Genome position (GRCh38, 1-based): chrX:46,853,695, T duplicated; the last of 2 consecutive T bases (chrX:46,853,694-46,853,695); duplicating either gives the same sequence. VCF-style (leftmost placement, unchanged base first): chrX-46853693-A-AT. GRCh37 (hg19) VCF-style: chrX-46713128-A-AT.
Other names: short protein forms C108fs.
Identifiers: ClinVar variation 836917 (VCV000836917.7), dbSNP rs1924900972, ClinGen allele CA916083939.